The following is an entry in ClinVar:

ClinVar aggregate classification (germline): Uncertain significance (1 of 4 stars; one submission).

Conditions:
Emery-Dreifuss muscular dystrophy 5, autosomal dominant (EDMD5). Also called: EMERY-DREIFUSS MUSCULAR DYSTROPHY 5. Identifiers: Orphanet 261, MedGen C2751805, MONDO:0013072, OMIM 612999.

Allele frequency attached by ClinVar (database versions not stated): gnomAD 0.00001.
gnomAD v4.1: 2 of 1,613,318 alleles (0.00012%); highest among the groups gnomAD compares: Admixed American, 0.0033%; no homozygotes.

Submission:

Labcorp Genetics (formerly Invitae), Labcorp
Classification: Uncertain significance for Emery-Dreifuss muscular dystrophy 5, autosomal dominant. Last evaluated: 2025-07-06. Review status: criteria provided, single submitter. Criteria: Invitae Variant Classification Sherloc (09022015). Collection method: clinical testing. Allele origin: germline.
Comment: This sequence change replaces valine, which is neutral and non-polar, with alanine, which is neutral and non-polar, at codon 4387 of the SYNE2 protein (p.Val4387Ala). This variant is not present in population databases (gnomAD no frequency). This variant has not been reported in the literature in individuals affected with SYNE2-related conditions. ClinVar contains an entry for this variant (Variation ID: 1395349). An algorithm developed to predict the effect of missense changes on protein structure and function outputs the following: PolyPhen-2: "Benign". The alanine amino acid residue is found in multiple mammalian species, which suggests that this missense change does not adversely affect protein function. In summary, the available evidence is currently insufficient to determine the role of this variant in disease. Therefore, it has been classified as a Variant of Uncertain Significance.

NM_182914.3(SYNE2):c.13160T>C (p.Val4387Ala)

Gene: SYNE2 (spectrin repeat containing nuclear envelope protein 2; plus strand). Cytogenetic location: 14q23.2.
Variant type: single nucleotide variant.
Coding change: c.13160T>C on transcript NM_182914.3 (MANE Select); coding-DNA position 13160, T replaced by C.
Protein change: p.Val4387Ala; replaces valine 4387 with alanine.
Molecular consequence: missense variant.
Genome position (GRCh38, 1-based): chr14:64,122,013, T>C. VCF-style: chr14-64122013-T-C. GRCh37 (hg19) VCF-style: chr14-64588731-T-C.
Other names: c.13160T>C, p.Val4387Ala (NM_015180.6); short protein forms V4387A.
Identifiers: ClinVar variation 1395349 (VCV001395349.6), dbSNP rs2097902343, ClinGen allele CA389962563.